The following is an entry in ClinVar:

NM_201384.3(PLEC):c.8028C>G (p.His2676Gln)

Gene: PLEC (plectin; minus strand). Cytogenetic location: 8q24.3.
Variant type: single nucleotide variant.
Coding change: c.8028C>G on transcript NM_201384.3 (MANE Select); coding-DNA position 8028, C replaced by G.
Protein change: p.His2676Gln; replaces histidine 2676 with glutamine.
Molecular consequence: missense variant.
Genome position (GRCh38, 1-based): chr8:143,921,793, G>C on the plus strand (C>G on the coding strand, the complement: PLEC is on the minus strand). VCF-style: chr8-143921793-G-C. GRCh37 (hg19) VCF-style: chr8-144995961-G-C.
Other names: c.8109C>G, p.His2703Gln (NM_000445.5); c.4728C>G, p.His1576Gln (NM_001410941.1); c.7986C>G, p.His2662Gln (NM_201378.4); c.7962C>G, p.His2654Gln (NM_201379.3); c.8439C>G, p.His2813Gln (NM_201380.4); c.7932C>G, p.His2644Gln (NM_201381.3); c.8028C>G, p.His2676Gln (NM_201382.4); c.8040C>G, p.His2680Gln (NM_201383.3); short protein forms H1576Q, H2644Q, H2654Q, H2662Q, H2676Q, H2680Q, H2703Q, H2813Q.
Identifiers: ClinVar variation 3756170 (VCV003756170.2).

ClinVar aggregate classification (germline): Uncertain significance (1 of 4 stars; one submission).

Conditions:
Epidermolysis bullosa simplex with nail dystrophy (EBS5D). Identifiers: MedGen C4225309, MONDO:0014661, OMIM 616487.
Epidermolysis bullosa simplex, Ogna type (EBS5A). Also called: Pidermolysis bullosa simplex 5A, Ogna type; EPIDERMOLYSIS BULLOSA SIMPLEX 5A, OGNA TYPE. Identifiers: Orphanet 79401, MedGen C0432317, MONDO:0007555, OMIM 131950.
Autosomal recessive limb-girdle muscular dystrophy type 2Q (LGMDR17). Also called: MUSCULAR DYSTROPHY, LIMB-GIRDLE, AUTOSOMAL RECESSIVE 17. Identifiers: Orphanet 254361, MedGen C3150989, MONDO:0013390, OMIM 613723.
Epidermolysis bullosa simplex 5B, with muscular dystrophy (EBS5B). Also called: EPIDERMOLYSIS BULLOSA SIMPLEX AND LIMB-GIRDLE MUSCULAR DYSTROPHY; Epidermolysis bullosa simplex with muscular dystrophy. Identifiers: Orphanet 257, MedGen C2931072, MONDO:0009181, OMIM 226670.
Epidermolysis bullosa simplex 5C, with pyloric atresia (EBS5C). Also called: PLEC-Related Epidermolysis Bullosa with Pyloric Atresia; Epidermolysis bullosa simplex with pyloric atresia; PLEC1-Related Epidermolysis Bullosa with Pyloric Atresia. Identifiers: Orphanet 158684, MedGen C2677349, MONDO:0012807, OMIM 612138.

gnomAD v4.1: 4 of 1,610,468 alleles (0.00025%); highest among the groups gnomAD compares: Admixed American, 0.0017%; no homozygotes.

Submission:

Labcorp Genetics (formerly Invitae), Labcorp
Classification: Uncertain significance for Autosomal recessive limb-girdle muscular dystrophy type 2Q; Epidermolysis bullosa simplex, Ogna type; Epidermolysis bullosa simplex with nail dystrophy; Epidermolysis bullosa simplex 5C, with pyloric atresia; Epidermolysis bullosa simplex 5B, with muscular dystrophy. Last evaluated: 2024-12-26. Review status: criteria provided, single submitter. Criteria: Invitae Variant Classification Sherloc (09022015). Collection method: clinical testing. Allele origin: germline.
Comment: This sequence change replaces histidine, which is basic and polar, with glutamine, which is neutral and polar, at codon 2703 of the PLEC protein (p.His2703Gln). This variant is not present in population databases (gnomAD no frequency). This variant has not been reported in the literature in individuals affected with PLEC-related conditions. An algorithm developed to predict the effect of missense changes on protein structure and function (PolyPhen-2) suggests that this variant is likely to be disruptive. In summary, the available evidence is currently insufficient to determine the role of this variant in disease. Therefore, it has been classified as a Variant of Uncertain Significance.